The following is an entry in ClinVar:

NM_020738.4(KIDINS220):c.1354A>T (p.Ser452Cys)

Gene: KIDINS220 (kinase D interacting substrate 220; minus strand). Cytogenetic location: 2p25.1.
Variant type: single nucleotide variant.
Coding change: c.1354A>T on transcript NM_020738.4 (MANE Select); coding-DNA position 1354, A replaced by T.
Protein change: p.Ser452Cys; replaces serine 452 with cysteine.
Molecular consequence: missense variant. On other transcripts: non-coding transcript variant (2).
Genome position (GRCh38, 1-based): chr2:8,791,147, T>A on the plus strand (A>T on the coding strand, the complement: KIDINS220 is on the minus strand). VCF-style: chr2-8791147-T-A. GRCh37 (hg19) VCF-style: chr2-8931277-T-A.
Other names: c.1357A>T, p.Ser453Cys (NM_001348729.2, NM_001348731.2, NM_001348734.2 and 3 more transcripts); c.1354A>T, p.Ser452Cys (NM_001348732.2, NM_001348735.2, NM_001348738.2 and 3 more transcripts); c.1228A>T, p.Ser410Cys (NM_001348736.2); short protein forms S410C, S452C, S453C.
Identifiers: ClinVar variation 3345664 (VCV003345664.1).

ClinVar aggregate classification (germline): Uncertain significance (0 of 4 stars; one submission).

Conditions:
KIDINS220-related disorder. Also called: KIDINS220-related condition.

Submission:

PreventionGenetics, part of Exact Sciences
Classification: Uncertain significance for KIDINS220-related condition. Last evaluated: 2024-06-28. Review status: no assertion criteria provided. Collection method: clinical testing. Allele origin: germline.
Comment: The KIDINS220 c.1354A>T variant is predicted to result in the amino acid substitution p.Ser452Cys. To our knowledge, this variant has not been reported in the literature or in a large population database, indicating this variant is rare. At this time, the clinical significance of this variant is uncertain due to the absence of conclusive functional and genetic evidence.